The following is an entry in ClinVar:

NM_000179.3(MSH6):c.2017C>A (p.Pro673Thr)

Gene: MSH6 (mutS homolog 6; plus strand). Cytogenetic location: 2p16.3.
Variant type: single nucleotide variant.
Coding change: c.2017C>A on transcript NM_000179.3 (MANE Select); coding-DNA position 2017, C replaced by A.
Protein change: p.Pro673Thr; replaces proline 673 with threonine.
Molecular consequence: missense variant.
Genome position (GRCh38, 1-based): chr2:47,800,000, C>A. VCF-style: chr2-47800000-C-A. GRCh37 (hg19) VCF-style: chr2-48027139-C-A.
Other names: c.1111C>A, p.Pro371Thr (NM_001406816.1, NM_001406823.1, NM_001281493.2 and 6 more transcripts); c.1720C>A, p.Pro574Thr (NM_001406818.1, NM_001406819.1, NM_001406820.1 and 10 more transcripts); c.1849C>A, p.Pro617Thr (NM_001406826.1); c.1627C>A, p.Pro543Thr (NM_001281492.2); c.2113C>A, p.Pro705Thr (NM_001406795.1, NM_001406802.1); c.2017C>A, p.Pro673Thr (NM_001406796.1, NM_001406798.1, NM_001406800.1 and 3 more transcripts); c.1492C>A, p.Pro498Thr (NM_001406799.1, NM_001406806.1, NM_001406807.1); c.1939C>A, p.Pro647Thr (NM_001406804.1); and 1 more; short protein forms P647T, P543T, P705T, P371T, P498T, P673T, P574T, P617T.
Identifiers: ClinVar variation 2119177 (VCV002119177.4), dbSNP rs377356882, ClinGen allele CA346750695.
Genomic context (GRCh38, chr2:47,800,000, plus strand): 5'-GTGATGTTACCCCAGGTGCTTAAAGGTATGACTTCAGAGTCTGATTCCATTGGGTTGACA[C>A]CAGGAGAGAAAAGTGAATTGGCCCTCTCTGCTCTAGGTGGTTGTGTCTTCTACCTCAAAA-3'
Protein context (NP_000170.1, residues 663-683): TSESDSIGLT[Pro673Thr]GEKSELALSA

ClinVar aggregate classification (germline): Uncertain significance (1 of 4 stars; one submission).

Conditions:
Hereditary nonpolyposis colorectal neoplasms. Identifiers: MedGen C0009405, MeSH D003123.

Submission:

Labcorp Genetics (formerly Invitae), Labcorp
Classification: Uncertain significance for Hereditary nonpolyposis colorectal neoplasms. Last evaluated: 2024-03-30. Review status: criteria provided, single submitter. Criteria: Invitae Variant Classification Sherloc (09022015). Collection method: clinical testing. Allele origin: germline.
Comment: This sequence change replaces proline, which is neutral and non-polar, with threonine, which is neutral and polar, at codon 673 of the MSH6 protein (p.Pro673Thr). This variant is not present in population databases (gnomAD no frequency). This variant has not been reported in the literature in individuals affected with MSH6-related conditions. ClinVar contains an entry for this variant (Variation ID: 2119177). Advanced modeling of protein sequence and biophysical properties (such as structural, functional, and spatial information, amino acid conservation, physicochemical variation, residue mobility, and thermodynamic stability) performed at Invitae indicates that this missense variant is not expected to disrupt MSH6 protein function with a negative predictive value of 95%. In summary, the available evidence is currently insufficient to determine the role of this variant in disease. Therefore, it has been classified as a Variant of Uncertain Significance.